The following is an entry in ClinVar:

ClinVar aggregate classification (germline): Uncertain significance. Review status: criteria provided, multiple submitters, no conflicts (2 of 4 stars). 2 submissions from 2 submitters: Uncertain significance (2). Last evaluated 2025-10-17.

Conditions:
Stormorken syndrome (STRMK). Also called: THROMBOCYTOPATHY, ASPLENIA, AND MIOSIS. Identifiers: Orphanet 3204, MedGen C1861451, MONDO:0008497, OMIM 185070.
Combined immunodeficiency due to STIM1 deficiency. Also called: STIM1 DEFICIENCY; IMMUNODEFICIENCY 10. Identifiers: Orphanet 169090, Orphanet 317430, MedGen C2748557, MONDO:0013008, OMIM 612783.
Myopathy with tubular aggregates (TAM). Also called: Tubular Aggregate Myopathy. Identifiers: Orphanet 2593, MedGen C0410207, MONDO:0008051.
Inborn genetic diseases. Identifiers: MedGen C0950123, MeSH D030342.

Allele frequency attached by ClinVar (database versions not stated): TOPMed below 0.00001; gnomAD 0.00001; gnomAD exomes 0.00001.
gnomAD v4.1: 18 of 1,611,384 alleles (0.0011%); highest among the groups gnomAD compares: Non-Finnish European, 0.0014%; no homozygotes.

Submissions (2):

Ambry Genetics
Classification: Uncertain significance for Inborn genetic diseases. Last evaluated: 2025-10-17. Review status: criteria provided, single submitter. Criteria: Ambry Variant Classification Scheme 2023. Collection method: clinical testing. Allele origin: germline.

Labcorp Genetics (formerly Invitae), Labcorp
Classification: Uncertain significance for Myopathy with tubular aggregates; Combined immunodeficiency due to STIM1 deficiency; Stormorken syndrome. Last evaluated: 2023-08-07. Review status: criteria provided, single submitter. Criteria: Invitae Variant Classification Sherloc (09022015). Collection method: clinical testing. Allele origin: germline.
Comment: This sequence change replaces lysine, which is basic and polar, with arginine, which is basic and polar, at codon 672 of the STIM1 protein (p.Lys672Arg). In summary, the available evidence is currently insufficient to determine the role of this variant in disease. Therefore, it has been classified as a Variant of Uncertain Significance. Advanced modeling of protein sequence and biophysical properties (such as structural, functional, and spatial information, amino acid conservation, physicochemical variation, residue mobility, and thermodynamic stability) has been performed at Invitae for this missense variant, however the output from this modeling did not meet the statistical confidence thresholds required to predict the impact of this variant on STIM1 protein function. This variant has not been reported in the literature in individuals affected with STIM1-related conditions. This variant is not present in population databases (gnomAD no frequency).

NM_001382567.1(STIM1):c.2108A>G (p.Lys703Arg)

Gene: STIM1 (stromal interaction molecule 1; plus strand). Cytogenetic location: 11p15.4.
Variant type: single nucleotide variant.
Coding change: c.2108A>G on transcript NM_001382567.1 (MANE Select); coding-DNA position 2108, A replaced by G.
Protein change: p.Lys703Arg; replaces lysine 703 with arginine.
Molecular consequence: missense variant. On other transcripts: non-coding transcript variant (3), 3 prime UTR variant (4).
Genome position (GRCh38, 1-based): chr11:4,091,755, A>G. VCF-style: chr11-4091755-A-G. GRCh37 (hg19) VCF-style: chr11-4112985-A-G.
Other names: c.1526A>G, p.Lys509Arg (NM_001382581.1); c.2015A>G, p.Lys672Arg (NM_003156.4); c.2333A>G, p.Lys778Arg (NM_001277961.3); c.*429A>G (NM_001277962.2, NM_001382578.1, NM_001382579.1 and 1 more transcripts); c.2111A>G, p.Lys704Arg (NM_001382566.1); c.2036A>G, p.Lys679Arg (NM_001382568.1); c.1880A>G, p.Lys627Arg (NM_001382569.1); c.1787A>G, p.Lys596Arg (NM_001382570.1); and 2 more; short protein forms K509R, K512R, K627R, K596R, K598R, K703R, K704R, K679R.
Identifiers: ClinVar variation 2925152 (VCV002925152.4), dbSNP rs1200217912, ClinGen allele CA379198342.
Genomic context (GRCh38, chr11:4,091,755, plus strand): 5'-CTGTGGCTGAGGAGGATAATGGCTCTATTGGCGAGGAAACAGACTCCAGCCCAGGCCGGA[A>G]GAAGTTTCCCCTCAAAATCTTTAAGAAGCCTCTTAAGAAGTAGGCAGGATGGGGTGGCAG-3'
Protein context (NP_001369496.1, residues 693-713): GEETDSSPGR[Lys703Arg]KFPLKIFKKP